The following is an entry in ClinVar:

ClinVar aggregate classification (germline): Uncertain significance (1 of 4 stars; one submission).

Submission:

Labcorp Genetics (formerly Invitae), Labcorp
Classification: Uncertain significance. Last evaluated: 2022-07-19. Review status: criteria provided, single submitter. Criteria: Invitae Variant Classification Sherloc (09022015). Collection method: clinical testing. Allele origin: germline.
Comment: Algorithms developed to predict the effect of missense changes on protein structure and function (SIFT, PolyPhen-2, Align-GVGD) all suggest that this variant is likely to be tolerated. In summary, the available evidence is currently insufficient to determine the role of this variant in disease. Therefore, it has been classified as a Variant of Uncertain Significance. ClinVar contains an entry for this variant (Variation ID: 1018107). This variant has not been reported in the literature in individuals affected with HMX1-related conditions. This variant is not present in population databases (gnomAD no frequency). This sequence change replaces alanine, which is neutral and non-polar, with glutamic acid, which is acidic and polar, at codon 168 of the HMX1 protein (p.Ala168Glu).

NM_018942.3(HMX1):c.503C>A (p.Ala168Glu)

Gene: HMX1 (H6 family homeobox 1; minus strand). Cytogenetic location: 4p16.1.
Variant type: single nucleotide variant.
Coding change: c.503C>A on transcript NM_018942.3 (MANE Select); coding-DNA position 503, C replaced by A.
Protein change: p.Ala168Glu; replaces alanine 168 with glutamic acid.
Molecular consequence: missense variant. On other transcripts: intron variant (1).
Genome position (GRCh38, 1-based): chr4:8,868,237, G>T on the plus strand (C>A on the coding strand, the complement: HMX1 is on the minus strand). VCF-style: chr4-8868237-G-T. GRCh37 (hg19) VCF-style: chr4-8869963-G-T.
Other names: c.394+2984C>A (NM_001306142.2); short protein forms A168E.
Identifiers: ClinVar variation 1018107 (VCV001018107.8), dbSNP rs1475608399, ClinGen allele CA356278447.